The following is an entry in ClinVar:

NM_000137.4(FAH):c.36C>A (p.Phe12Leu)

Gene: FAH (fumarylacetoacetate hydrolase; plus strand). Cytogenetic location: 15q25.1.
Variant type: single nucleotide variant.
Coding change: c.36C>A on transcript NM_000137.4 (MANE Select); coding-DNA position 36, C replaced by A.
Protein change: p.Phe12Leu; replaces phenylalanine 12 with leucine.
Molecular consequence: missense variant.
Genome position (GRCh38, 1-based): chr15:80,153,090, C>A. VCF-style: chr15-80153090-C-A. GRCh37 (hg19) VCF-style: chr15-80445432-C-A.
Other names: c.36C>A (NM_000137.2); c.36C>A, p.Phe12Leu (NM_001374377.1, NM_001374380.1); short protein forms F12L.
Identifiers: ClinVar variation 3065539 (VCV003065539.2), dbSNP rs2041065544, ClinGen allele CA393615483.

ClinVar aggregate classification (germline): Conflicting classifications of pathogenicity. Review status: criteria provided, conflicting classifications (1 of 4 stars). 2 submissions from 2 submitters: Likely pathogenic (1); Uncertain significance (1). Last evaluated 2026-07-07.

Conditions:
Tyrosinemia type I (TYRSN1). Also called: HEPATORENAL TYROSINEMIA; Tyrosinemia type 1; Fumarylacetoacetase deficiency; Deficiency of fumarylacetoacetase; FAH DEFICIENCY. Identifiers: Orphanet 882, MedGen C0268490, MONDO:0010161, OMIM 276700. Disease mechanism: loss of function.
FAH-related disorder. Also called: FAH-related condition.

Submissions (2):

PreventionGenetics, part of Exact Sciences
Classification: Uncertain significance for FAH-related condition. Last evaluated: 2026-07-07. Review status: criteria provided, single submitter. Criteria: ACMG Guidelines, 2015. Collection method: clinical testing. Allele origin: germline.
Comment: The FAH c.36C>A variant is predicted to result in the amino acid substitution p.Phe12Leu. This variant has been reported in the homozygous state in an individual with acute tyrosinemia type 1 (Ibarra-González et al. 2019. PubMed ID: 31568711). This variant has not been reported in a large population database (gnomAD), indicating this variant is rare. Although we suspect that this variant may be pathogenic, at this time, the clinical significance of this variant is uncertain due to the absence of conclusive functional and genetic evidence.

Genomic Medicine Center of Excellence, King Faisal Specialist Hospital and Research Centre
Classification: Likely pathogenic for Tyrosinemia type I. Last evaluated: 2024-03-26. Review status: criteria provided, single submitter. Criteria: ACMG Guidelines, 2015. Collection method: clinical testing. Allele origin: germline.